The following is an entry in ClinVar:

ClinVar aggregate classification (germline): Uncertain significance (1 of 4 stars; one submission).

Submission:

Labcorp Genetics (formerly Invitae), Labcorp
Classification: Uncertain significance. Last evaluated: 2024-10-28. Review status: criteria provided, single submitter. Criteria: Invitae Variant Classification Sherloc (09022015). Collection method: clinical testing. Allele origin: germline.
Comment: This sequence change replaces leucine, which is neutral and non-polar, with proline, which is neutral and non-polar, at codon 39 of the CTNNA1 protein (p.Leu39Pro). This variant is not present in population databases (gnomAD no frequency). This variant has not been reported in the literature in individuals affected with CTNNA1-related conditions. Invitae Evidence Modeling of protein sequence and biophysical properties (such as structural, functional, and spatial information, amino acid conservation, physicochemical variation, residue mobility, and thermodynamic stability) indicates that this missense variant is expected to disrupt CTNNA1 protein function with a positive predictive value of 80%. In summary, the available evidence is currently insufficient to determine the role of this variant in disease. Therefore, it has been classified as a Variant of Uncertain Significance.

NM_001903.5(CTNNA1):c.116T>C (p.Leu39Pro)

Gene: CTNNA1 (catenin alpha 1; plus strand). Cytogenetic location: 5q31.2.
Variant type: single nucleotide variant.
Coding change: c.116T>C on transcript NM_001903.5 (MANE Select); coding-DNA position 116, T replaced by C.
Protein change: p.Leu39Pro; replaces leucine 39 with proline.
Molecular consequence: missense variant. On other transcripts: 5 prime UTR variant (1), intron variant (1).
Genome position (GRCh38, 1-based): chr5:138,783,187, T>C. VCF-style: chr5-138783187-T-C. GRCh37 (hg19) VCF-style: chr5-138118876-T-C.
Other names: c.116T>C, p.Leu39Pro (NM_001290307.3, NM_001323982.2, NM_001323983.1 and 3 more transcripts); c.-91T>C (NM_001290310.3); c.-9+1158T>C (NM_001290309.3); short protein forms L39P.
Identifiers: ClinVar variation 3665408 (VCV003665408.2).